The following is an entry in ClinVar:

NM_016247.4(IMPG2):c.970G>C (p.Asp324His)

Gene: IMPG2 (interphotoreceptor matrix proteoglycan 2; minus strand). Cytogenetic location: 3q12.3.
Variant type: single nucleotide variant.
Coding change: c.970G>C on transcript NM_016247.4 (MANE Select); coding-DNA position 970, G replaced by C.
Protein change: p.Asp324His; replaces aspartic acid 324 with histidine.
Molecular consequence: missense variant.
Genome position (GRCh38, 1-based): chr3:101,257,712, C>G on the plus strand (G>C on the coding strand, the complement: IMPG2 is on the minus strand). VCF-style: chr3-101257712-C-G. GRCh37 (hg19) VCF-style: chr3-100976556-C-G.
Other names: c.970G>C (NM_016247.3); short protein forms D324H.
Identifiers: ClinVar variation 498881 (VCV000498881.13), dbSNP rs750457079, ClinGen allele CA2519301.

ClinVar aggregate classification (germline): Uncertain significance. Review status: criteria provided, multiple submitters, no conflicts (2 of 4 stars). 3 submissions from 3 submitters: Uncertain significance (3). Last evaluated 2025-08-12.

Conditions:
Inborn genetic diseases. Identifiers: MedGen C0950123, MeSH D030342.

Allele frequency attached by ClinVar (database versions not stated): gnomAD below 0.00001.
gnomAD v4.1: 26 of 1,613,158 alleles (0.0016%); highest among the groups gnomAD compares: South Asian, 0.026%; no homozygotes.

Submissions (3):

Ambry Genetics
Classification: Uncertain significance for Inborn genetic diseases. Last evaluated: 2025-08-12. Review status: criteria provided, single submitter. Criteria: Ambry Variant Classification Scheme 2023. Collection method: clinical testing. Allele origin: germline.

Labcorp Genetics (formerly Invitae), Labcorp
Classification: Uncertain significance. Last evaluated: 2025-01-13. Review status: criteria provided, single submitter. Criteria: Invitae Variant Classification Sherloc (09022015). Collection method: clinical testing. Allele origin: germline.
Comment: This sequence change replaces aspartic acid, which is acidic and polar, with histidine, which is basic and polar, at codon 324 of the IMPG2 protein (p.Asp324His). This variant is present in population databases (rs750457079, gnomAD 0.03%). This variant has not been reported in the literature in individuals affected with IMPG2-related conditions. ClinVar contains an entry for this variant (Variation ID: 498881). Invitae Evidence Modeling of protein sequence and biophysical properties (such as structural, functional, and spatial information, amino acid conservation, physicochemical variation, residue mobility, and thermodynamic stability) indicates that this missense variant is expected to disrupt IMPG2 protein function with a positive predictive value of 80%. In summary, the available evidence is currently insufficient to determine the role of this variant in disease. Therefore, it has been classified as a Variant of Uncertain Significance.

Eurofins Ntd Llc (ga)
Classification: Uncertain significance. Last evaluated: 2018-06-14. Review status: criteria provided, single submitter. Criteria: EGL ClinVar v180209 classification definitions. Collection method: clinical testing. Allele origin: germline. Observed: 1 variant allele, 1 heterozygote.